The following is an entry in ClinVar:

ClinVar aggregate classification (germline): Uncertain significance (1 of 4 stars; one submission).

Conditions:
Developmental and epileptic encephalopathy, 23 (DEE23). Also called: Epileptic encephalopathy, early infantile, 23. Identifiers: Orphanet 411986, MedGen C4014492, MONDO:0014371, OMIM 615859.

Allele frequency attached by ClinVar (database versions not stated): gnomAD exomes below 0.00001; ExAC 0.00002; gnomAD 0.00003; TOPMed 0.00006.
gnomAD v4.1: 10 of 1,611,890 alleles (0.00062%); highest among the groups gnomAD compares: African/African-American, 0.013%; no homozygotes.

Submission:

Labcorp Genetics (formerly Invitae), Labcorp
Classification: Uncertain significance for Developmental and epileptic encephalopathy, 23. Last evaluated: 2024-06-03. Review status: criteria provided, single submitter. Criteria: Invitae Variant Classification Sherloc (09022015). Collection method: clinical testing. Allele origin: germline.
Comment: This sequence change replaces alanine, which is neutral and non-polar, with threonine, which is neutral and polar, at codon 368 of the DOCK7 protein (p.Ala368Thr). This variant is present in population databases (rs750733539, gnomAD 0.03%). This variant has not been reported in the literature in individuals affected with DOCK7-related conditions. ClinVar contains an entry for this variant (Variation ID: 1934750). Advanced modeling of protein sequence and biophysical properties (such as structural, functional, and spatial information, amino acid conservation, physicochemical variation, residue mobility, and thermodynamic stability) performed at Invitae indicates that this missense variant is not expected to disrupt DOCK7 protein function with a negative predictive value of 80%. In summary, the available evidence is currently insufficient to determine the role of this variant in disease. Therefore, it has been classified as a Variant of Uncertain Significance.

NM_001367561.1(DOCK7):c.1102G>A (p.Ala368Thr)

Gene: DOCK7 (dedicator of cytokinesis 7; minus strand). Cytogenetic location: 1p31.3.
Variant type: single nucleotide variant.
Coding change: c.1102G>A on transcript NM_001367561.1 (MANE Select); coding-DNA position 1102, G replaced by A.
Protein change: p.Ala368Thr; replaces alanine 368 with threonine.
Molecular consequence: missense variant.
Genome position (GRCh38, 1-based): chr1:62,633,512, C>T on the plus strand (G>A on the coding strand, the complement: DOCK7 is on the minus strand). VCF-style: chr1-62633512-C-T. GRCh37 (hg19) VCF-style: chr1-63099183-C-T.
Other names: c.1102G>A, p.Ala368Thr (NM_001271999.2, NM_001272000.2, NM_001272001.2 and 3 more transcripts); short protein forms A368T.
Identifiers: ClinVar variation 1934750 (VCV001934750.3), dbSNP rs750733539, ClinGen allele CA887037.